The following is an entry in ClinVar:

NM_006206.6(PDGFRA):c.425A>T (p.Asp142Val)

Gene: PDGFRA (platelet derived growth factor receptor alpha; plus strand). Cytogenetic location: 4q12.
Variant type: single nucleotide variant.
Coding change: c.425A>T on transcript NM_006206.6 (MANE Select); coding-DNA position 425, A replaced by T.
Protein change: p.Asp142Val; replaces aspartic acid 142 with valine.
Molecular consequence: missense variant.
Genome position (GRCh38, 1-based): chr4:54,263,724, A>T. VCF-style: chr4-54263724-A-T. GRCh37 (hg19) VCF-style: chr4-55129891-A-T.
Other names: c.425A>T, p.Asp142Val (NM_001347827.2, NM_001347829.2); c.500A>T, p.Asp167Val (NM_001347828.2); c.464A>T, p.Asp155Val (NM_001347830.2); c.425A>T (NM_006206.4); short protein forms D167V, D142V, D155V.
Identifiers: ClinVar variation 1368358 (VCV001368358.8), dbSNP rs1337241636, ClinGen allele CA356889791.

ClinVar aggregate classification (germline): Uncertain significance. Review status: criteria provided, multiple submitters, no conflicts (2 of 4 stars). 2 submissions from 2 submitters: Uncertain significance (2). Last evaluated 2025-12-29.

Conditions:
Hereditary cancer-predisposing syndrome. Also called: Tumor predisposition; Hereditary Cancer Syndrome; Hereditary neoplastic syndrome; Neoplastic Syndromes, Hereditary. Identifiers: Orphanet 140162, MedGen C0027672, MeSH D009386, MONDO:0015356.
Gastrointestinal stromal tumor. Also called: Gastrointestinal stroma tumor; Gastrointestinal stromal tumor, somatic. Identifiers: Orphanet 44890, MedGen C0238198, MeSH D046152, MONDO:0011719, OMIM 606764, HP:0100723.

gnomAD v4.1: 1 of 1,613,878 alleles (0.000062%); highest among the groups gnomAD compares: Admixed American, 0.0017%; no homozygotes.

Submissions (2):

Labcorp Genetics (formerly Invitae), Labcorp
Classification: Uncertain significance for Gastrointestinal stromal tumor. Last evaluated: 2025-12-29. Review status: criteria provided, single submitter. Criteria: Invitae Variant Classification Sherloc (09022015). Collection method: clinical testing. Allele origin: germline.
Comment: This sequence change replaces aspartic acid, which is acidic and polar, with valine, which is neutral and non-polar, at codon 142 of the PDGFRA protein (p.Asp142Val). This variant is present in population databases (no rsID available, gnomAD 0.003%). This variant has not been reported in the literature in individuals affected with PDGFRA-related conditions. ClinVar contains an entry for this variant (Variation ID: 1368358). Invitae Evidence Modeling of protein sequence and biophysical properties (such as structural, functional, and spatial information, amino acid conservation, physicochemical variation, residue mobility, and thermodynamic stability) indicates that this missense variant is not expected to disrupt PDGFRA protein function with a negative predictive value of 80%. In summary, the available evidence is currently insufficient to determine the role of this variant in disease. Therefore, it has been classified as a Variant of Uncertain Significance.

Ambry Genetics
Classification: Uncertain significance for Hereditary cancer-predisposing syndrome. Last evaluated: 2023-01-21. Review status: criteria provided, single submitter. Criteria: Ambry Variant Classification Scheme 2023. Collection method: clinical testing. Allele origin: germline.
Comment: The p.D142V variant (also known as c.425A>T), located in coding exon 3 of the PDGFRA gene, results from an A to T substitution at nucleotide position 425. The aspartic acid at codon 142 is replaced by valine, an amino acid with highly dissimilar properties. This amino acid position is conserved. In addition, this alteration is predicted to be tolerated by in silico analysis. Since supporting evidence is limited at this time, the clinical significance of this alteration remains unclear.